The following is an entry in ClinVar:

ClinVar aggregate classification (germline): Conflicting classifications of pathogenicity. Review status: criteria provided, conflicting classifications (1 of 4 stars). 6 submissions from 6 submitters: Likely pathogenic (1); Uncertain significance (2); Likely benign (1). 2 of the submissions do not count toward it. Last evaluated 2026-01-22.

Conditions:
ALG1-congenital disorder of glycosylation. Also called: CONGENITAL DISORDER OF GLYCOSYLATION, TYPE Ik; CDG Ik; ALG1-CDG. Identifiers: Orphanet 79327, MedGen C2931005, MONDO:0012052, OMIM 608540.
ALG1-related disorder. Also called: ALG1-related condition.

Allele frequency attached by ClinVar (database versions not stated): ESP Exome Variant Server 0.00008; TOPMed 0.00028; 1000 Genomes Project 30x 0.00031; 1000 Genomes Project 0.00040; gnomAD 0.00045 and 0.00046; ExAC 0.00052; gnomAD exomes 0.00065.
gnomAD v4.1: 1,244 of 1,611,896 alleles (0.077%); highest among the groups gnomAD compares: South Asian, 0.09%; no homozygotes.

Submissions (6):

Labcorp Genetics (formerly Invitae), Labcorp
Classification: Likely benign for ALG1-congenital disorder of glycosylation. Last evaluated: 2026-01-22. Review status: criteria provided, single submitter. Criteria: Invitae Variant Classification Sherloc (09022015). Collection method: clinical testing. Allele origin: germline.

GeneDx
Classification: Uncertain significance. Last evaluated: 2020-10-30. Review status: criteria provided, single submitter. Criteria: GeneDx Variant Classification Process June 2021. Collection method: clinical testing. Allele origin: germline. Affected: yes.
Comment: In silico analysis supports that this missense variant has a deleterious effect on protein structure/function; Has not been previously published as pathogenic or benign to our knowledge; This variant is associated with the following publications: (PMID: 26931382, 20679665)

Revvity Omics, Revvity
Classification: Uncertain significance for ALG1-congenital disorder of glycosylation. Last evaluated: 2019-07-29. Review status: criteria provided, single submitter. Criteria: ACMG Guidelines, 2015. Collection method: clinical testing. Allele origin: germline.

Genomic Research Center, Shahid Beheshti University of Medical Sciences
Classification: Likely pathogenic for ALG1-congenital disorder of glycosylation. Last evaluated: 2018-03-05. Review status: criteria provided, single submitter. Criteria: ACMG Guidelines, 2015. Collection method: clinical testing. Allele origin: inherited. Affected: yes. Observed: 1 variant allele.

PreventionGenetics, part of Exact Sciences
Classification: Likely benign for ALG1-related condition. Last evaluated: 2023-06-16. Review status: no assertion criteria provided. Collection method: clinical testing. Allele origin: germline. Not counted in ClinVar's aggregate classification.
Comment: This variant is classified as likely benign based on ACMG/AMP sequence variant interpretation guidelines (Richards et al. 2015 PMID: 25741868, with internal and published modifications).

Genomics England Pilot Project, Genomics England
Classification: Likely pathogenic for ALG1-congenital disorder of glycosylation. Review status: no assertion criteria provided. Criteria: ACGS Guidelines, 2016. Collection method: clinical testing. Allele origin: germline. Affected: yes. Not counted in ClinVar's aggregate classification.

NM_019109.5(ALG1):c.827G>A (p.Arg276Gln)

Gene: ALG1 (ALG1 chitobiosyldiphosphodolichol beta-mannosyltransferase; plus strand). Cytogenetic location: 16p13.3.
Variant type: single nucleotide variant.
Coding change: c.827G>A on transcript NM_019109.5 (MANE Select); coding-DNA position 827, G replaced by A.
Protein change: p.Arg276Gln; replaces arginine 276 with glutamine.
Molecular consequence: missense variant.
Genome position (GRCh38, 1-based): chr16:5,078,843, G>A. VCF-style: chr16-5078843-G-A. GRCh37 (hg19) VCF-style: chr16-5128844-G-A.
Other names: c.494G>A, p.Arg165Gln (NM_001330504.2); short protein forms R165Q.
Identifiers: ClinVar variation 471233 (VCV000471233.21), dbSNP rs201975029, ClinGen allele CA7890038.